The following is an entry in ClinVar:

ClinVar aggregate classification (germline): Conflicting classifications of pathogenicity. Review status: criteria provided, conflicting classifications (1 of 4 stars). 4 submissions from 4 submitters: Uncertain significance (2); Likely benign (1). 1 of the submissions does not count toward it. Last evaluated 2026-01-26.

Conditions:
Usher syndrome type 1F (USH1F). Also called: USHER SYNDROME, TYPE IF. Identifiers: Orphanet 231169, Orphanet 886, MedGen C1865885, MONDO:0011186, OMIM 602083.

Allele frequency attached by ClinVar (database versions not stated): gnomAD 0.00001 and 0.00005; gnomAD exomes 0.00004 and 0.00008; TOPMed 0.00006; ExAC 0.00009; 1000 Genomes Project 30x 0.00031; 1000 Genomes Project 0.00040.
gnomAD v4.1: 70 of 1,613,638 alleles (0.0043%); highest among the groups gnomAD compares: East Asian, 0.092%; 1 homozygote.

Submissions (4):

Labcorp Genetics (formerly Invitae), Labcorp
Classification: Likely benign. Last evaluated: 2026-01-26. Review status: criteria provided, single submitter. Criteria: Invitae Variant Classification Sherloc (09022015). Collection method: clinical testing. Allele origin: germline.

GeneDx
Classification: Uncertain significance. Last evaluated: 2025-05-23. Review status: criteria provided, single submitter. Criteria: GeneDx Variant Classification Process June 2021. Collection method: clinical testing. Allele origin: germline. Affected: yes.
Comment: In silico analysis supports that this missense variant has a deleterious effect on protein structure/function; Has not been previously published as pathogenic or benign in association with PCDH15-related disorders to our knowledge; This variant is associated with the following publications: (PMID: 27058588)

Blueprint Genetics
Classification: Uncertain significance. Last evaluated: 2022-10-07. Review status: criteria provided, single submitter. Criteria: ACMG Guidelines, 2015. Collection method: clinical testing. Allele origin: germline.

Natera, Inc.
Classification: Uncertain significance for Usher syndrome type 1F. Last evaluated: 2020-02-01. Review status: no assertion criteria provided. Collection method: clinical testing. Allele origin: germline. Not counted in ClinVar's aggregate classification.

NM_001384140.1(PCDH15):c.1385A>G (p.Tyr462Cys)

Gene: PCDH15 (protocadherin related 15; minus strand). Cytogenetic location: 10q21.1.
Variant type: single nucleotide variant.
Coding change: c.1385A>G on transcript NM_001384140.1 (MANE Select); coding-DNA position 1385, A replaced by G.
Protein change: p.Tyr462Cys; replaces tyrosine 462 with cysteine.
Molecular consequence: missense variant.
Genome position (GRCh38, 1-based): chr10:54,185,189, T>C on the plus strand (A>G on the coding strand, the complement: PCDH15 is on the minus strand). VCF-style: chr10-54185189-T-C. GRCh37 (hg19) VCF-style: chr10-55944949-T-C.
Other names: c.1400A>G, p.Tyr467Cys (NM_001142763.2, NM_001142771.2); c.1385A>G, p.Tyr462Cys (NM_001142764.2, NM_001142765.2, NM_001142766.2 and 6 more transcripts); c.1274A>G, p.Tyr425Cys (NM_001142767.2); c.1319A>G, p.Tyr440Cys (NM_001142768.2, NM_001142773.2, NM_001354404.2); c.1421A>G, p.Tyr474Cys (NM_001142769.4); c.1406A>G, p.Tyr469Cys (NM_001354411.2); short protein forms Y425C, Y469C, Y474C, Y440C, Y462C, Y467C.
Identifiers: ClinVar variation 966460 (VCV000966460.7), dbSNP rs201284699, ClinGen allele CA5506397.